The following is an entry in ClinVar:

NM_194248.3(OTOF):c.2613C>T (p.Leu871=)

Gene: OTOF (otoferlin; minus strand). Cytogenetic location: 2p23.3.
Variant type: single nucleotide variant.
Coding change: c.2613C>T on transcript NM_194248.3 (MANE Select); coding-DNA position 2613, C replaced by T.
Protein change: p.Leu871=; no amino-acid change (leucine 871 retained).
Molecular consequence: synonymous variant.
Genome position (GRCh38, 1-based): chr2:26,476,954, G>A on the plus strand (C>T on the coding strand, the complement: OTOF is on the minus strand). VCF-style: chr2-26476954-G-A. GRCh37 (hg19) VCF-style: chr2-26699822-G-A.
Other names: p.Leu871=; c.2613C>T, p.Leu871= (NM_001287489.2); c.372C>T, p.Leu124= (NM_004802.4, NM_194323.3); c.543C>T, p.Leu181= (NM_194322.3).
Identifiers: ClinVar variation 48203 (VCV000048203.19), dbSNP rs2272068, ClinGen allele CA142818.

ClinVar aggregate classification (germline): Benign/Likely benign. Review status: criteria provided, multiple submitters, no conflicts (2 of 4 stars). 7 submissions from 7 submitters: Benign (5); Likely benign (2). Last evaluated 2026-02-02.

Conditions:
Autosomal recessive nonsyndromic hearing loss 9. Also called: Deafness, autosomal recessive 9; AUDITORY NEUROPATHY, AUTOSOMAL RECESSIVE, 1, TEMPERATURE-SENSITIVE; NEUROSENSORY NONSYNDROMIC RECESSIVE DEAFNESS 9; OTOF-Related Hearing Loss. Identifiers: Orphanet 90636, MedGen C1832828, MONDO:0010986, OMIM 601071.

Allele frequency attached by ClinVar (database versions not stated): gnomAD exomes 0.02109 and 0.03435; ESP Exome Variant Server 0.02688; gnomAD 0.03343 and 0.03420; ExAC 0.03362; TOPMed 0.03571; 1000 Genomes Project 30x 0.05481; 1000 Genomes Project 0.05731.

Submissions (7):

Labcorp Genetics (formerly Invitae), Labcorp
Classification: Benign. Last evaluated: 2026-02-02. Review status: criteria provided, single submitter. Criteria: Invitae Variant Classification Sherloc (09022015). Collection method: clinical testing. Allele origin: germline.

Women's Health and Genetics/Laboratory Corporation of America, LabCorp
Classification: Benign. Last evaluated: 2026-01-08. Review status: criteria provided, single submitter. Criteria: LabCorp Variant Classification Summary - May 2015. Collection method: clinical testing. Allele origin: germline.

Mayo Clinic Laboratories, Mayo Clinic
Classification: Benign. Last evaluated: 2021-11-07. Review status: criteria provided, single submitter. Criteria: ACMG Guidelines, 2015. Collection method: clinical testing. Allele origin: germline. Observed: 8 variant alleles.

Illumina Laboratory Services, Illumina
Classification: Likely benign for Autosomal recessive nonsyndromic hearing loss 9. Last evaluated: 2018-01-13. Review status: criteria provided, single submitter. Criteria: ICSL Variant Classification Criteria 13 December 2019. Collection method: clinical testing. Allele origin: germline.
Comment: This variant was observed in the ICSL laboratory as part of a predisposition screen in an ostensibly healthy population. It had not been previously curated by ICSL or reported in the Human Gene Mutation Database (HGMD: prior to June 1st, 2018), and was therefore a candidate for classification through an automated scoring system. Utilizing variant allele frequency, disease prevalence and penetrance estimates, and inheritance mode, an automated score was calculated to assess if this variant is too frequent to cause the disease. Based on the score and internal cut-off values, a variant classified as likely benign is not then subjected to further curation. The score for this variant resulted in a classification of likely benign for this disease.

GeneDx
Classification: Benign. Last evaluated: 2017-08-03. Review status: criteria provided, single submitter. Criteria: GeneDx Variant Classification (06012015). Collection method: clinical testing. Allele origin: germline. Affected: yes.
Comment: This variant is considered likely benign or benign based on one or more of the following criteria: it is a conservative change, it occurs at a poorly conserved position in the protein, it is predicted to be benign by multiple in silico algorithms, and/or has population frequency not consistent with disease.

Laboratory for Molecular Medicine, Mass General Brigham Personalized Medicine
Classification: Benign. Last evaluated: 2008-02-19. Review status: criteria provided, single submitter. Criteria: LMM Criteria. Collection method: clinical testing. Allele origin: germline. Observed: 97 variant alleles.

Breakthrough Genomics
Classification: Likely benign. Review status: criteria provided, single submitter. Criteria: ACMG Guidelines, 2015. Collection method: not provided. Allele origin: germline. Inheritance: Autosomal recessive inheritance. Affected: yes.